The following is an entry in ClinVar:

NM_004562.3(PRKN):c.1137C>T (p.Ala379=)

Gene: PRKN (parkin RBR E3 ubiquitin protein ligase; minus strand). Cytogenetic location: 6q26.
Variant type: single nucleotide variant.
Coding change: c.1137C>T on transcript NM_004562.3 (MANE Select); coding-DNA position 1137, C replaced by T.
Protein change: p.Ala379=; no amino-acid change (alanine 379 retained).
Molecular consequence: synonymous variant.
Genome position (GRCh38, 1-based): chr6:161,386,824, G>A on the plus strand (C>T on the coding strand, the complement: PRKN is on the minus strand). VCF-style: chr6-161386824-G-A. GRCh37 (hg19) VCF-style: chr6-161807856-G-A.
Other names: c.1053C>T, p.Ala351= (NM_013987.3); c.690C>T, p.Ala230= (NM_013988.3).
Identifiers: ClinVar variation 1566505 (VCV001566505.31), dbSNP rs761813150, ClinGen allele CA4090019.

ClinVar aggregate classification (germline): Likely benign. Review status: criteria provided, multiple submitters, no conflicts (2 of 4 stars). 2 submissions from 2 submitters: Likely benign (2). Last evaluated 2025-08-21.

Allele frequency attached by ClinVar (database versions not stated): ExAC 0.00001; gnomAD exomes 0.00001 and 0.00002; TOPMed 0.00008; gnomAD 0.00010 and 0.00011.
gnomAD v4.1: 29 of 1,613,812 alleles (0.0018%); highest among the groups gnomAD compares: African/African-American, 0.027%; no homozygotes.

Submissions (2):

Labcorp Genetics (formerly Invitae), Labcorp
Classification: Likely benign. Last evaluated: 2025-08-21. Review status: criteria provided, single submitter. Criteria: Invitae Variant Classification Sherloc (09022015). Collection method: clinical testing. Allele origin: germline.

CeGaT Center for Human Genetics Tuebingen
Classification: Likely benign. Last evaluated: 2023-10-01. Review status: criteria provided, single submitter. Criteria: CeGaT Center For Human Genetics Tuebingen Variant Classification Criteria Version 2. Collection method: clinical testing. Allele origin: germline. Affected: yes. Observed: 1 variant allele.
Comment: PRKN: BP4, BP7